The following is an entry in ClinVar:

ClinVar aggregate classification (germline): Uncertain significance (1 of 4 stars; one submission).

gnomAD v4.1: 11 of 1,612,846 alleles (0.00068%); highest among the groups gnomAD compares: African/African-American, 0.0027%; no homozygotes.

Submission:

Labcorp Genetics (formerly Invitae), Labcorp
Classification: Uncertain significance. Last evaluated: 2025-10-27. Review status: criteria provided, single submitter. Criteria: Invitae Variant Classification Sherloc (09022015). Collection method: clinical testing. Allele origin: germline.
Comment: This sequence change replaces glycine, which is neutral and non-polar, with serine, which is neutral and polar, at codon 210 of the NYNRIN protein (p.Gly210Ser). This variant is not present in population databases (gnomAD no frequency). This variant has not been reported in the literature in individuals affected with NYNRIN-related conditions. Experimental studies and prediction algorithms are not available or were not evaluated, and the functional significance of this variant is currently unknown. In summary, the available evidence is currently insufficient to determine the role of this variant in disease. Therefore, it has been classified as a Variant of Uncertain Significance.

NM_025081.3(NYNRIN):c.628G>A (p.Gly210Ser)

Gene: NYNRIN (NYN domain and retroviral integrase containing; plus strand). Cytogenetic location: 14q12.
Variant type: single nucleotide variant.
Coding change: c.628G>A on transcript NM_025081.3 (MANE Select); coding-DNA position 628, G replaced by A.
Protein change: p.Gly210Ser; replaces glycine 210 with serine.
Molecular consequence: missense variant.
Genome position (GRCh38, 1-based): chr14:24,408,298, G>A. VCF-style: chr14-24408298-G-A. GRCh37 (hg19) VCF-style: chr14-24877504-G-A.
Other names: short protein forms G210S.
Identifiers: ClinVar variation 4748482 (VCV004748482.1).